The following is an entry in ClinVar:

ClinVar aggregate classification (germline): Benign/Likely benign. Review status: criteria provided, multiple submitters, no conflicts (2 of 4 stars). 8 submissions from 8 submitters: Benign (6); Likely benign (2). Last evaluated 2026-02-03.

Conditions:
Inborn genetic diseases. Identifiers: MedGen C0950123, MeSH D030342.
Intellectual developmental disorder, X-linked 1. Also called: Atkin Flaitz Patil Smith syndrome; Intellectual disability, X-linked 1; MENTAL RETARDATION, X-LINKED 18; MENTAL RETARDATION, X-LINKED 78. Identifiers: Orphanet 777, MedGen C2931498, MONDO:0010656, OMIM 309530.

Allele frequency attached by ClinVar (database versions not stated): gnomAD exomes 0.00665 and 0.02213; ExAC 0.06366; gnomAD 0.06750 and 0.07175; 1000 Genomes Project 0.07788; TOPMed 0.07858; 1000 Genomes Project 30x 0.08262.
gnomAD v4.1: 14,302 of 1,118,294 alleles (1.3%); highest among the groups gnomAD compares: African/African-American, 24%; 1,164 homozygotes.

Submissions (8):

Labcorp Genetics (formerly Invitae), Labcorp
Classification: Benign for Intellectual developmental disorder, X-linked 1. Last evaluated: 2026-02-03. Review status: criteria provided, single submitter. Criteria: Invitae Variant Classification Sherloc (09022015). Collection method: clinical testing. Allele origin: germline.

Mayo Clinic Laboratories, Mayo Clinic
Classification: Benign. Last evaluated: 2022-07-08. Review status: criteria provided, single submitter. Criteria: ACMG Guidelines, 2015. Collection method: clinical testing. Allele origin: germline. Observed: 9 variant alleles.

Athena Diagnostics
Classification: Benign. Last evaluated: 2017-11-20. Review status: criteria provided, single submitter. Criteria: Athena Diagnostics Criteria. Collection method: clinical testing. Allele origin: germline.

Eurofins Ntd Llc (ga)
Classification: Benign. Last evaluated: 2016-03-31. Review status: criteria provided, single submitter. Criteria: EGL Classification Definitions 2015. Collection method: clinical testing. Allele origin: germline. Observed: 11 variant alleles, 1 heterozygote, 10 hemizygotes.

Ambry Genetics
Classification: Likely benign for Inborn genetic diseases. Last evaluated: 2016-03-13. Review status: criteria provided, single submitter. Criteria: Ambry Variant Classification Scheme 2023. Collection method: clinical testing. Allele origin: germline.

GeneDx
Classification: Benign. Last evaluated: 2016-01-15. Review status: criteria provided, single submitter. Criteria: GeneDx Variant Classification (06012015). Collection method: clinical testing. Allele origin: germline. Affected: yes.
Comment: This variant is considered likely benign or benign based on one or more of the following criteria: it is a conservative change, it occurs at a poorly conserved position in the protein, it is predicted to be benign by multiple in silico algorithms, and/or has population frequency not consistent with disease.

Genetic Services Laboratory, University of Chicago
Classification: Benign for AllHighlyPenetrant. Last evaluated: 2013-07-08. Review status: criteria provided, single submitter. Criteria: ACMG Guidelines, 2007. Collection method: clinical testing. Allele origin: germline. Inheritance: X-linked inheritance.

Breakthrough Genomics
Classification: Likely benign. Review status: criteria provided, single submitter. Criteria: ACMG Guidelines, 2015. Collection method: not provided. Allele origin: germline. Inheritance: X-linked inheritance. Affected: yes.

NM_001111125.3(IQSEC2):c.4104G>A (p.Leu1368=)

Gene: IQSEC2 (IQ motif and Sec7 domain ArfGEF 2; minus strand). Cytogenetic location: Xp11.22.
Variant type: single nucleotide variant.
Coding change: c.4104G>A on transcript NM_001111125.3 (MANE Select); coding-DNA position 4104, G replaced by A.
Protein change: p.Leu1368=; no amino-acid change (leucine 1368 retained).
Molecular consequence: synonymous variant. On other transcripts: 3 prime UTR variant (1).
Genome position (GRCh38, 1-based): chrX:53,234,582, C>T on the plus strand (G>A on the coding strand, the complement: IQSEC2 is on the minus strand). VCF-style: chrX-53234582-C-T. GRCh37 (hg19) VCF-style: chrX-53263764-C-T.
Other names: p.Leu1368=; c.*589G>A (NM_015075.2).
Identifiers: ClinVar variation 93557 (VCV000093557.25), dbSNP rs184087864, ClinGen allele CA147054.